The following is an entry in ClinVar:

ClinVar aggregate classification (germline): Uncertain significance (1 of 4 stars; one submission).

Conditions:
RASA1-related disorder. Also called: RASA1-related condition.

Submission:

PreventionGenetics, part of Exact Sciences
Classification: Uncertain significance for RASA1-related condition. Last evaluated: 2025-03-13. Review status: criteria provided, single submitter. Criteria: ACMG Guidelines, 2015. Collection method: clinical testing. Allele origin: germline.
Comment: The RASA1 c.725G>T variant is predicted to result in the amino acid substitution p.Gly242Val. To our knowledge, this variant has not been reported in the literature or in a large population database (gnomAD), indicating this variant is rare. At this time, the clinical significance of this variant is uncertain due to the absence of conclusive functional and genetic evidence.

NM_002890.3(RASA1):c.725G>T (p.Gly242Val)

Genes: CCNH (cyclin H; minus strand), RASA1 (RAS p21 protein activator 1; plus strand). Cytogenetic location: 5q14.3.
Variant type: single nucleotide variant.
Coding change: c.725G>T on transcript NM_002890.3 (MANE Select); coding-DNA position 725, G replaced by T.
Protein change: p.Gly242Val; replaces glycine 242 with valine.
Molecular consequence: missense variant. On other transcripts: intron variant (1).
Genome position (GRCh38, 1-based): chr5:87,332,539, G>T. VCF-style: chr5-87332539-G-T. GRCh37 (hg19) VCF-style: chr5-86628356-G-T.
Other names: c.194G>T, p.Gly65Val (NM_022650.3); c.934-19744C>A (NM_001364075.2); short protein forms G242V, G65V.
Identifiers: ClinVar variation 4999300 (VCV004999300.1).